The following is an entry in ClinVar:

ClinVar aggregate classification (germline): Uncertain significance (1 of 4 stars; one submission).

Conditions:
Spermatogenic failure 18. Identifiers: MedGen C4539783, MONDO:0054615, OMIM 617576.
Ciliary dyskinesia, primary, 37 (CILD37). Also called: CILIARY DYSKINESIA, PRIMARY, 37, WITH OR WITHOUT SITUS INVERSUS. Identifiers: MedGen C4539798, MONDO:0033204, OMIM 617577.

Allele frequency attached by ClinVar (database versions not stated): gnomAD exomes below 0.00001; TOPMed 0.00001.
gnomAD v4.1: 1 of 1,613,998 alleles (0.000062%); highest among the groups gnomAD compares: Admixed American, 0.0017%; no homozygotes.

Submission:

Labcorp Genetics (formerly Invitae), Labcorp
Classification: Uncertain significance for Ciliary dyskinesia, primary, 37; Spermatogenic failure 18. Last evaluated: 2023-07-03. Review status: criteria provided, single submitter. Criteria: Invitae Variant Classification Sherloc (09022015). Collection method: clinical testing. Allele origin: germline.
Comment: This variant is not present in population databases (gnomAD no frequency). In summary, the available evidence is currently insufficient to determine the role of this variant in disease. Therefore, it has been classified as a Variant of Uncertain Significance. Advanced modeling of protein sequence and biophysical properties (such as structural, functional, and spatial information, amino acid conservation, physicochemical variation, residue mobility, and thermodynamic stability) performed at Invitae indicates that this missense variant is expected to disrupt DNAH1 protein function. This variant has not been reported in the literature in individuals affected with DNAH1-related conditions. This sequence change replaces serine, which is neutral and polar, with tyrosine, which is neutral and polar, at codon 827 of the DNAH1 protein (p.Ser827Tyr).

NM_015512.5(DNAH1):c.2480C>A (p.Ser827Tyr)

Gene: DNAH1 (dynein axonemal heavy chain 1; plus strand). Cytogenetic location: 3p21.1.
Variant type: single nucleotide variant.
Coding change: c.2480C>A on transcript NM_015512.5 (MANE Select); coding-DNA position 2480, C replaced by A.
Protein change: p.Ser827Tyr; replaces serine 827 with tyrosine.
Molecular consequence: missense variant.
Genome position (GRCh38, 1-based): chr3:52,349,374, C>A. VCF-style: chr3-52349374-C-A. GRCh37 (hg19) VCF-style: chr3-52383390-C-A.
Other names: short protein forms S827Y.
Identifiers: ClinVar variation 2937831 (VCV002937831.3), dbSNP rs762854710, ClinGen allele CA353102800.